The following is an entry in ClinVar:

NM_022124.6(CDH23):c.9319+11G>A

Gene: CDH23 (cadherin related 23; plus strand). Cytogenetic location: 10q22.1.
Variant type: single nucleotide variant.
Coding change: c.9319+11G>A on transcript NM_022124.6 (MANE Select); 11 bases into the intron after coding-DNA position 9319, G replaced by A.
Molecular consequence: intron variant.
Genome position (GRCh38, 1-based): chr10:71,811,764, G>A. VCF-style: chr10-71811764-G-A. GRCh37 (hg19) VCF-style: chr10-73571521-G-A.
Other names: c.2599+11G>A (NM_001171933.1, NM_001171934.1).
Identifiers: ClinVar variation 46071 (VCV000046071.24), dbSNP rs11000013, ClinGen allele CA137635.

ClinVar aggregate classification (germline): Benign/Likely benign. Review status: criteria provided, multiple submitters, no conflicts (2 of 4 stars). 10 submissions from 8 submitters: Benign (9); Likely benign (1). Last evaluated 2026-06-19.

Conditions:
Usher syndrome type 1D (USH1D). Also called: USHER SYNDROME, TYPE ID. Identifiers: Orphanet 231169, Orphanet 886, MedGen C1832845, MONDO:0010984, OMIM 601067.
Autosomal recessive nonsyndromic hearing loss 12. Also called: DEAFNESS, AUTOSOMAL RECESSIVE 12. Identifiers: Orphanet 90636, MedGen C1832394, MONDO:0011067, OMIM 601386.

Allele frequency attached by ClinVar (database versions not stated): gnomAD 0.10848 and 0.10868; gnomAD exomes 0.11607 and 0.11091; TOPMed 0.10517; 1000 Genomes Project 0.07887; 1000 Genomes Project 30x 0.08057; ESP Exome Variant Server 0.11088; ExAC 0.15087.
gnomAD v4.1: 180,704 of 1,567,044 alleles (12%); highest among the groups gnomAD compares: Middle Eastern, 22%; 11,335 homozygotes.

Submissions (10):

Women's Health and Genetics/Laboratory Corporation of America, LabCorp
Classification: Benign. Last evaluated: 2026-06-19. Review status: criteria provided, single submitter. Criteria: LabCorp Variant Classification Summary - May 2015. Collection method: clinical testing. Allele origin: germline.

Labcorp Genetics (formerly Invitae), Labcorp
Classification: Benign. Last evaluated: 2026-02-04. Review status: criteria provided, single submitter. Criteria: Invitae Variant Classification Sherloc (09022015). Collection method: clinical testing. Allele origin: germline.

Genome-Nilou Lab
Classification: Benign for Autosomal recessive nonsyndromic hearing loss 12. Last evaluated: 2021-07-01. Review status: criteria provided, single submitter. Criteria: ACMG Guidelines, 2015. Collection method: clinical testing. Allele origin: germline. Affected: no.

Genome-Nilou Lab
Classification: Benign for Usher syndrome type 1D. Last evaluated: 2021-07-01. Review status: criteria provided, single submitter. Criteria: ACMG Guidelines, 2015. Collection method: clinical testing. Allele origin: germline. Affected: no.

Illumina Laboratory Services, Illumina
Classification: Benign for Usher syndrome type 1D. Last evaluated: 2018-01-12. Review status: criteria provided, single submitter. Criteria: ICSL Variant Classification Criteria 13 December 2019. Collection method: clinical testing. Allele origin: germline.
Comment: This variant was observed in the ICSL laboratory as part of a predisposition screen in an ostensibly healthy population. It had not been previously curated by ICSL or reported in the Human Gene Mutation Database (HGMD: prior to June 1st, 2018), and was therefore a candidate for classification through an automated scoring system. Utilizing variant allele frequency, disease prevalence and penetrance estimates, and inheritance mode, an automated score was calculated to assess if this variant is too frequent to cause the disease. Based on the score and internal cut-off values, a variant classified as benign is not then subjected to further curation. The score for this variant resulted in a classification of benign for this disease.

Illumina Laboratory Services, Illumina
Classification: Benign for Autosomal recessive nonsyndromic hearing loss 12. Last evaluated: 2018-01-12. Review status: criteria provided, single submitter. Criteria: ICSL Variant Classification Criteria 13 December 2019. Collection method: clinical testing. Allele origin: germline.
Comment: the same text as in the submission from Illumina Laboratory Services, Illumina above.

GeneDx
Classification: Benign. Last evaluated: 2015-03-03. Review status: criteria provided, single submitter. Criteria: GeneDx Variant Classification Process June 2021. Collection method: clinical testing. Allele origin: germline. Affected: yes.

Laboratory for Molecular Medicine, Mass General Brigham Personalized Medicine
Classification: Benign. Last evaluated: 2009-06-12. Review status: criteria provided, single submitter. Criteria: LMM Criteria. Collection method: clinical testing. Allele origin: germline. Observed: 410 variant alleles.

Breakthrough Genomics
Classification: Likely benign. Review status: criteria provided, single submitter. Criteria: ACMG Guidelines, 2015. Collection method: not provided. Allele origin: germline. Inheritance: Autosomal recessive inheritance. Affected: yes.

PreventionGenetics, part of Exact Sciences
Classification: Benign. Review status: criteria provided, single submitter. Criteria: ACMG Guidelines, 2015. Collection method: clinical testing. Allele origin: germline.